The following is an entry in ClinVar:

NM_021615.5(CHST6):c.*4086G>A

Gene: CHST6 (carbohydrate sulfotransferase 6; minus strand). Cytogenetic location: 16q23.1.
Variant type: single nucleotide variant.
Coding change: c.*4086G>A on transcript NM_021615.5 (MANE Select); 4086 bases downstream of the stop codon, G replaced by A.
Molecular consequence: 3 prime UTR variant.
Genome position (GRCh38, 1-based): chr16:75,474,555, C>T on the plus strand (G>A on the coding strand, the complement: CHST6 is on the minus strand). VCF-style: chr16-75474555-C-T. GRCh37 (hg19) VCF-style: chr16-75508453-C-T.
Identifiers: ClinVar variation 320523 (VCV000320523.5), dbSNP rs12918234, ClinGen allele CA10648950.

ClinVar aggregate classification (germline): Benign (1 of 4 stars; one submission).

Conditions:
Macular corneal dystrophy (MCD). Also called: GROENOUW TYPE II CORNEAL DYSTROPHY; Macular corneal dystrophy Type I. Identifiers: Orphanet 98969, MedGen C1636149, MONDO:0009020, OMIM 217800.

Allele frequency attached by ClinVar (database versions not stated): 1000 Genomes Project 0.12420; 1000 Genomes Project 30x 0.12523; TOPMed 0.14050; gnomAD 0.14984 and 0.15036; gnomAD exomes 0.17117.
gnomAD v4.1: 64,817 of 398,082 alleles (16%); highest among the groups gnomAD compares: Middle Eastern, 21%; 5,840 homozygotes.

Submission:

Illumina Laboratory Services, Illumina
Classification: Benign for Macular corneal dystrophy. Last evaluated: 2018-01-12. Review status: criteria provided, single submitter. Criteria: ICSL Variant Classification Criteria 13 December 2019. Collection method: clinical testing. Allele origin: germline.
Comment: This variant was observed in the ICSL laboratory as part of a predisposition screen in an ostensibly healthy population. It had not been previously curated by ICSL or reported in the Human Gene Mutation Database (HGMD: prior to June 1st, 2018), and was therefore a candidate for classification through an automated scoring system. Utilizing variant allele frequency, disease prevalence and penetrance estimates, and inheritance mode, an automated score was calculated to assess if this variant is too frequent to cause the disease. Based on the score and internal cut-off values, a variant classified as benign is not then subjected to further curation. The score for this variant resulted in a classification of benign for this disease.